The following is an entry in ClinVar:

NM_000264.5(PTCH1):c.3512T>G (p.Leu1171Arg)

Gene: PTCH1 (patched 1; minus strand). Cytogenetic location: 9q22.32.
Variant type: single nucleotide variant.
Coding change: c.3512T>G on transcript NM_000264.5 (MANE Select); coding-DNA position 3512, T replaced by G.
Protein change: p.Leu1171Arg; replaces leucine 1171 with arginine.
Molecular consequence: missense variant. On other transcripts: non-coding transcript variant (1).
Genome position (GRCh38, 1-based): chr9:95,449,878, A>C on the plus strand (T>G on the coding strand, the complement: PTCH1 is on the minus strand). VCF-style: chr9-95449878-A-C. GRCh37 (hg19) VCF-style: chr9-98212160-A-C.
Other names: c.3314T>G, p.Leu1105Arg (NM_001083602.3); c.3509T>G, p.Leu1170Arg (NM_001083603.3); c.3059T>G, p.Leu1020Arg (NM_001083604.3, NM_001083605.3, NM_001083606.3 and 1 more transcripts); c.3356T>G, p.Leu1119Arg (NM_001354918.2); short protein forms L1171R, L1105R, L1119R, L1020R, L1170R.
Identifiers: ClinVar variation 2824303 (VCV002824303.3), dbSNP rs2538021004, ClinGen allele CA374111509.

ClinVar aggregate classification (germline): Uncertain significance (1 of 4 stars; one submission).

Conditions:
Gorlin syndrome. Also called: Nevoid Basal Cell Carcinoma Syndrome; Basal cell nevus syndrome. Identifiers: Orphanet 377, MedGen C0004779, MONDO:0007187.

Submission:

Labcorp Genetics (formerly Invitae), Labcorp
Classification: Uncertain significance for Gorlin syndrome. Last evaluated: 2022-12-27. Review status: criteria provided, single submitter. Criteria: Invitae Variant Classification Sherloc (09022015). Collection method: clinical testing. Allele origin: germline.
Comment: In summary, the available evidence is currently insufficient to determine the role of this variant in disease. Therefore, it has been classified as a Variant of Uncertain Significance. Advanced modeling of protein sequence and biophysical properties (such as structural, functional, and spatial information, amino acid conservation, physicochemical variation, residue mobility, and thermodynamic stability) has been performed at Invitae for this missense variant, however the output from this modeling did not meet the statistical confidence thresholds required to predict the impact of this variant on PTCH1 protein function. This variant has not been reported in the literature in individuals affected with PTCH1-related conditions. This variant is not present in population databases (gnomAD no frequency). This sequence change replaces leucine, which is neutral and non-polar, with arginine, which is basic and polar, at codon 1171 of the PTCH1 protein (p.Leu1171Arg).